The following is an entry in ClinVar:

NM_024529.5(CDC73):c.423+6G>A

Gene: CDC73 (cell division cycle 73; plus strand). Cytogenetic location: 1q31.2.
Variant type: single nucleotide variant.
Coding change: c.423+6G>A on transcript NM_024529.5 (MANE Select); 6 bases into the intron after coding-DNA position 423, G replaced by A.
Molecular consequence: intron variant.
Genome position (GRCh38, 1-based): chr1:193,135,595, G>A. VCF-style: chr1-193135595-G-A. GRCh37 (hg19) VCF-style: chr1-193104725-G-A.
Identifiers: ClinVar variation 2758808 (VCV002758808.3), dbSNP rs749344710, ClinGen allele CA2533321880.

ClinVar aggregate classification (germline): Uncertain significance (1 of 4 stars; one submission).

Conditions:
Parathyroid carcinoma (PRTC). Also called: Parathyroid gland carcinoma; CDC73-Related Parathyroid Carcinoma. Identifiers: Orphanet 143, MedGen C0687150, MONDO:0012004, OMIM 608266, HP:0006780.

Submission:

Labcorp Genetics (formerly Invitae), Labcorp
Classification: Uncertain significance for Parathyroid carcinoma. Last evaluated: 2023-09-08. Review status: criteria provided, single submitter. Criteria: Invitae Variant Classification Sherloc (09022015). Collection method: clinical testing. Allele origin: germline.
Comment: This sequence change falls in intron 5 of the CDC73 gene. It does not directly change the encoded amino acid sequence of the CDC73 protein. It affects a nucleotide within the consensus splice site. This variant is not present in population databases (gnomAD no frequency). This variant has not been reported in the literature in individuals affected with CDC73-related conditions. Variants that disrupt the consensus splice site are a relatively common cause of aberrant splicing (PMID: 17576681, 9536098). Algorithms developed to predict the effect of sequence changes on RNA splicing suggest that this variant is not likely to affect RNA splicing. In summary, the available evidence is currently insufficient to determine the role of this variant in disease. Therefore, it has been classified as a Variant of Uncertain Significance.

Literature cited by the submitters: PubMed 17576681; PubMed 9536098.